The following is an entry in ClinVar:

NM_000548.5(TSC2):c.3132-31C>T

Gene: TSC2 (TSC complex subunit 2; plus strand). Cytogenetic location: 16p13.3.
Variant type: single nucleotide variant.
Coding change: c.3132-31C>T on transcript NM_000548.5 (MANE Select); 31 bases into the intron before coding-DNA position 3132, C replaced by T.
Molecular consequence: intron variant.
Genome position (GRCh38, 1-based): chr16:2,079,245, C>T. VCF-style: chr16-2079245-C-T. GRCh37 (hg19) VCF-style: chr16-2129246-C-T.
Other names: c.1659-31C>T (NM_001406693.1, NM_001406690.1, NM_001406692.1 and 1 more transcripts); c.3093-31C>T (NM_001406667.1); c.3090-31C>T (NM_001406668.1); c.2532-31C>T (NM_001406680.1, NM_001406683.1, NM_001406682.1); c.2400-31C>T (NM_001406687.1, NM_001318831.2, NM_001406688.1); c.1788-31C>T (NM_001406689.1); c.1656-31C>T (NM_001406691.1, NM_001406697.1, NM_001406695.1 and 1 more transcripts); c.1398-31C>T (NM_001406698.1); and 18 more.
Identifiers: ClinVar variation 2626408 (VCV002626408.2), dbSNP rs2089816432, ClinGen allele CA973769383.

ClinVar aggregate classification (germline): Uncertain significance (1 of 4 stars; one submission).

Conditions:
Hereditary cancer-predisposing syndrome. Also called: Tumor predisposition; Hereditary Cancer Syndrome; Hereditary neoplastic syndrome; Neoplastic Syndromes, Hereditary. Identifiers: Orphanet 140162, MedGen C0027672, MeSH D009386, MONDO:0015356.

Allele frequency attached by ClinVar (database versions not stated): TOPMed below 0.00001; gnomAD 0.00001.
gnomAD v4.1: 3 of 1,612,828 alleles (0.00019%); highest among the groups gnomAD compares: Non-Finnish European, 0.00025%; no homozygotes.

Submission:

Ambry Genetics
Classification: Uncertain significance for Hereditary cancer-predisposing syndrome. Last evaluated: 2023-06-16. Review status: criteria provided, single submitter. Criteria: Ambry Variant Classification Scheme 2023. Collection method: clinical testing. Allele origin: germline.
Comment: The c.3132-31C>T intronic variant results from a C to T substitution 31 nucleotides upstream from coding exon 27 in the TSC2 gene. This nucleotide position is well conserved in available vertebrate species. In silico splice site analysis predicts that this alteration will result in the creation or strengthening of a novel splice donor site; however, direct evidence is insufficient at this time (Ambry internal data). Since supporting evidence is limited at this time, the clinical significance of this alteration remains unclear.